The following is an entry in ClinVar:

NM_001040142.2(SCN2A):c.2989G>A (p.Asp997Asn)

Gene: SCN2A (sodium voltage-gated channel alpha subunit 2; plus strand). Cytogenetic location: 2q24.3.
Variant type: single nucleotide variant.
Coding change: c.2989G>A on transcript NM_001040142.2 (MANE Select); coding-DNA position 2989, G replaced by A.
Protein change: p.Asp997Asn; replaces aspartic acid 997 with asparagine.
Molecular consequence: missense variant.
Genome position (GRCh38, 1-based): chr2:165,354,261, G>A. VCF-style: chr2-165354261-G-A. GRCh37 (hg19) VCF-style: chr2-166210771-G-A.
Other names: c.2989G>A, p.Asp997Asn (NM_001040143.2, NM_001371246.1, NM_001371247.1 and 1 more transcripts); short protein forms D997N.
Identifiers: ClinVar variation 1995460 (VCV001995460.4), dbSNP rs2468035716, ClinGen allele CA349019576.

ClinVar aggregate classification (germline): Uncertain significance (1 of 4 stars; one submission).

Conditions:
Developmental and epileptic encephalopathy, 11 (DEE11). Also called: Early infantile epileptic encephalopathy 11. Identifiers: Orphanet 1934, MedGen C3150987, MONDO:0013388, OMIM 613721.
Seizures, benign familial infantile, 3 (BFIS3). Also called: Familial neonatal seizures; CONVULSIONS, BENIGN FAMILIAL INFANTILE, 3. Identifiers: Orphanet 140927, Orphanet 306, MedGen C1843140, MONDO:0011904, OMIM 607745.

Submission:

Labcorp Genetics (formerly Invitae), Labcorp
Classification: Uncertain significance for Seizures, benign familial infantile, 3; Developmental and epileptic encephalopathy, 11. Last evaluated: 2022-05-17. Review status: criteria provided, single submitter. Criteria: Invitae Variant Classification Sherloc (09022015). Collection method: clinical testing. Allele origin: germline.
Comment: This sequence change replaces aspartic acid, which is acidic and polar, with asparagine, which is neutral and polar, at codon 997 of the SCN2A protein (p.Asp997Asn). This variant is not present in population databases (gnomAD no frequency). This missense change has been observed in individual(s) with clinical features of benign familial neonatal-infantile seizures (Invitae). Algorithms developed to predict the effect of missense changes on protein structure and function are either unavailable or do not agree on the potential impact of this missense change (SIFT: "Deleterious"; PolyPhen-2: "Probably Damaging"; Align-GVGD: "Class C0"). This variant disrupts the p.Asp977 amino acid residue in SCN2A. Other variant(s) that disrupt this residue have been observed in individuals with SCN2A-related conditions (PMID: 30619928), which suggests that this may be a clinically significant amino acid residue. In summary, the available evidence is currently insufficient to determine the role of this variant in disease. Therefore, it has been classified as a Variant of Uncertain Significance.

Literature cited by the submitters: PubMed 30619928.